The following is an entry in ClinVar:

NM_001199138.2(NLRC4):c.3070G>A (p.Ala1024Thr)

Gene: NLRC4 (NLR family CARD domain containing 4; minus strand). Cytogenetic location: 2p22.3.
Variant type: single nucleotide variant.
Coding change: c.3070G>A on transcript NM_001199138.2 (MANE Select); coding-DNA position 3070, G replaced by A.
Protein change: p.Ala1024Thr; replaces alanine 1024 with threonine.
Molecular consequence: missense variant.
Genome position (GRCh38, 1-based): chr2:32,224,478, C>T on the plus strand (G>A on the coding strand, the complement: NLRC4 is on the minus strand). VCF-style: chr2-32224478-C-T. GRCh37 (hg19) VCF-style: chr2-32449547-C-T.
Other names: c.3070G>A, p.Ala1024Thr (NM_001199139.2, NM_021209.5); c.1075G>A, p.Ala359Thr (NM_001302504.2); short protein forms A1024T, A359T.
Identifiers: ClinVar variation 2943426 (VCV002943426.3), dbSNP rs1686313344, ClinGen allele CA346518997.
Genomic context (GRCh38, chr2:32,224,478, plus strand): 5'-CCAGGCTTAAAATAATGAGGTCCCAGAGCACTTACTGGCTTCGAGTACACTTTATTTAAG[C>T]AGTTACTAGTTTAAAAGCACCTGTAATAACACTGAGATCATCATCATCAAATTGCCACCC-3'
Protein context (NP_001186067.1, residues 1014-1024): VITGAFKLVT[Ala1024Thr]

ClinVar aggregate classification (germline): Uncertain significance (1 of 4 stars; one submission).

Conditions:
Periodic fever-infantile enterocolitis-autoinflammatory syndrome. Also called: Autoinflammation with infantile enterocolitis. Identifiers: Orphanet 436166, MedGen C4015067, MONDO:0014472, OMIM 616050.
Familial cold autoinflammatory syndrome 4 (FCAS4). Identifiers: Orphanet 47045, Orphanet 576349, MedGen C4015276, MONDO:0014498, OMIM 616115.

Submission:

Labcorp Genetics (formerly Invitae), Labcorp
Classification: Uncertain significance for Periodic fever-infantile enterocolitis-autoinflammatory syndrome; Familial cold autoinflammatory syndrome 4. Last evaluated: 2023-08-16. Review status: criteria provided, single submitter. Criteria: Invitae Variant Classification Sherloc (09022015). Collection method: clinical testing. Allele origin: germline.
Comment: In summary, the available evidence is currently insufficient to determine the role of this variant in disease. Therefore, it has been classified as a Variant of Uncertain Significance. An algorithm developed to predict the effect of missense changes on protein structure and function (PolyPhen-2) suggests that this variant is likely to be disruptive. This variant has not been reported in the literature in individuals affected with NLRC4-related conditions. This variant is not present in population databases (gnomAD no frequency). This sequence change replaces alanine, which is neutral and non-polar, with threonine, which is neutral and polar, at codon 1024 of the NLRC4 protein (p.Ala1024Thr).